The following is an entry in ClinVar:

ClinVar aggregate classification (germline): Pathogenic (1 of 4 stars; one submission).

gnomAD v4.1: 1 of 1,613,996 alleles (0.000062%); highest among the groups gnomAD compares: Non-Finnish European, 0.000085%; no homozygotes.

Submission:

Labcorp Genetics (formerly Invitae), Labcorp
Classification: Pathogenic. Last evaluated: 2024-01-24. Review status: criteria provided, single submitter. Criteria: Invitae Variant Classification Sherloc (09022015). Collection method: clinical testing. Allele origin: germline.
Comment: This sequence change replaces cysteine, which is neutral and slightly polar, with serine, which is neutral and polar, at codon 575 of the USH2A protein (p.Cys575Ser). This variant is not present in population databases (gnomAD no frequency). This missense change has been observed in individual(s) with Usher syndrome type II (PMID: 15325563). Advanced modeling of protein sequence and biophysical properties (such as structural, functional, and spatial information, amino acid conservation, physicochemical variation, residue mobility, and thermodynamic stability) performed at Invitae indicates that this missense variant is expected to disrupt USH2A protein function with a positive predictive value of 95%. This variant disrupts the p.Cys575 amino acid residue in USH2A. Other variant(s) that disrupt this residue have been determined to be pathogenic (PMID: 21569298, 24944099, 25425308, 28894305). This suggests that this residue is clinically significant, and that variants that disrupt this residue are likely to be disease-causing. For these reasons, this variant has been classified as Pathogenic.

Literature cited by the submitters: PubMed 15325563; PubMed 21569298; PubMed 24944099; PubMed 25425308; PubMed 28894305.

NM_206933.4(USH2A):c.1724G>C (p.Cys575Ser)

Gene: USH2A (usherin; minus strand). Cytogenetic location: 1q41.
Variant type: single nucleotide variant.
Coding change: c.1724G>C on transcript NM_206933.4 (MANE Select); coding-DNA position 1724, G replaced by C.
Protein change: p.Cys575Ser; replaces cysteine 575 with serine.
Molecular consequence: missense variant.
Genome position (GRCh38, 1-based): chr1:216,292,291, C>G on the plus strand (G>C on the coding strand, the complement: USH2A is on the minus strand). VCF-style: chr1-216292291-C-G. GRCh37 (hg19) VCF-style: chr1-216465633-C-G.
Other names: c.1724G>C, p.Cys575Ser (NM_007123.6); short protein forms C575S.
Identifiers: ClinVar variation 2734097 (VCV002734097.3), dbSNP rs483353054, ClinGen allele CA344903253.